The following is an entry in ClinVar:

NM_001127208.3(TET2):c.2978T>G (p.Met993Arg)

Genes: TET2 (tet methylcytosine dioxygenase 2; plus strand), TET2-AS1 (TET2 antisense RNA 1; minus strand). Cytogenetic location: 4q24.
Variant type: single nucleotide variant.
Coding change: c.2978T>G on transcript NM_001127208.3 (MANE Select); coding-DNA position 2978, T replaced by G.
Protein change: p.Met993Arg; replaces methionine 993 with arginine.
Molecular consequence: missense variant.
Genome position (GRCh38, 1-based): chr4:105,236,920, T>G. VCF-style: chr4-105236920-T-G. GRCh37 (hg19) VCF-style: chr4-106158077-T-G.
Other names: c.2978T>G, p.Met993Arg (NM_017628.4); short protein forms M993R.
Identifiers: ClinVar variation 3967578 (VCV003967578.1).

ClinVar aggregate classification (germline): Uncertain significance (1 of 4 stars; one submission).

Submission:

Ambry Genetics
Classification: Uncertain significance. Last evaluated: 2025-04-20. Review status: criteria provided, single submitter. Criteria: Ambry Variant Classification Scheme 2023. Collection method: clinical testing. Allele origin: germline.
Comment: The p.M993R variant (also known as c.2978T>G), located in coding exon 1 of the TET2 gene, results from a T to G substitution at nucleotide position 2978. The methionine at codon 993 is replaced by arginine, an amino acid with similar properties. This amino acid position is conserved. In addition, this alteration is predicted to be tolerated by in silico analysis. Based on the available evidence, the clinical significance of this variant remains unclear.